The following is an entry in ClinVar:

NM_001005361.3(DNM2):c.1827C>T (p.Ser609=)

Gene: DNM2 (dynamin 2; plus strand). Cytogenetic location: 19p13.2.
Variant type: single nucleotide variant.
Coding change: c.1827C>T on transcript NM_001005361.3 (MANE Select); coding-DNA position 1827, C replaced by T.
Protein change: p.Ser609=; no amino-acid change (serine 609 retained).
Molecular consequence: synonymous variant.
Genome position (GRCh38, 1-based): chr19:10,823,833, C>T. VCF-style: chr19-10823833-C-T. GRCh37 (hg19) VCF-style: chr19-10934509-C-T.
Other names: c.1827C>T, p.Ser609= (NM_001005360.3, NM_001190716.2); c.1815C>T, p.Ser605= (NM_001005362.3, NM_004945.4).
Identifiers: ClinVar variation 158518 (VCV000158518.18), dbSNP rs371412466, ClinGen allele CA172107.

ClinVar aggregate classification (germline): Conflicting classifications of pathogenicity. Review status: criteria provided, conflicting classifications (1 of 4 stars). 5 submissions from 5 submitters: Uncertain significance (1); Likely benign (3). 1 of the submissions does not count toward it. Last evaluated 2025-11-12.

Conditions:
Charcot-Marie-Tooth disease dominant intermediate B (CMTDIB). Also called: Charcot-Marie-Tooth disease dominant intermediate 1; CMT DI1; Charcot-Marie-Tooth disease dominant intermediate I; CHARCOT-MARIE-TOOTH NEUROPATHY, DOMINANT INTERMEDIATE B. Identifiers: Orphanet 100044, Orphanet 228179, MedGen C1847902, MONDO:0011674, OMIM 606482.
DNM2-related disorder. Also called: DNM2-related condition.
Inborn genetic diseases. Identifiers: MedGen C0950123, MeSH D030342.
Centronuclear myopathy (CNM). Also called: Myotubular myopathy; Centronuclear myopathy, congenital. Identifiers: Orphanet 595, MedGen C0175709, MONDO:0018947. Inheritance: All.

Allele frequency attached by ClinVar (database versions not stated): gnomAD exomes 0.00003 and 0.00001; ExAC 0.00007; gnomAD 0.00012 and 0.00013; TOPMed 0.00015; 1000 Genomes Project 30x 0.00016; 1000 Genomes Project 0.00020; ESP Exome Variant Server 0.00023.
gnomAD v4.1: 33 of 1,613,838 alleles (0.002%); highest among the groups gnomAD compares: African/African-American, 0.037%; no homozygotes.

Submissions (5):

Labcorp Genetics (formerly Invitae), Labcorp
Classification: Likely benign for Charcot-Marie-Tooth disease dominant intermediate B. Last evaluated: 2025-11-12. Review status: criteria provided, single submitter. Criteria: Invitae Variant Classification Sherloc (09022015). Collection method: clinical testing. Allele origin: germline.

Ambry Genetics
Classification: Likely benign for Inborn genetic diseases. Last evaluated: 2019-07-11. Review status: criteria provided, single submitter. Criteria: Ambry Variant Classification Scheme 2023. Collection method: clinical testing. Allele origin: germline.

GeneDx
Classification: Likely benign. Last evaluated: 2018-02-20. Review status: criteria provided, single submitter. Criteria: GeneDx Variant Classification (06012015). Collection method: clinical testing. Allele origin: germline. Affected: yes.
Comment: This variant is considered likely benign or benign based on one or more of the following criteria: it is a conservative change, it occurs at a poorly conserved position in the protein, it is predicted to be benign by multiple in silico algorithms, and/or has population frequency not consistent with disease.

Genetic Services Laboratory, University of Chicago
Classification: Uncertain significance for Myopathy, centronuclear. Last evaluated: 2013-02-08. Review status: criteria provided, single submitter. Criteria: ACMG Guidelines, 2007. Collection method: clinical testing. Allele origin: germline. Inheritance: Autosomal dominant inheritance.

PreventionGenetics, part of Exact Sciences
Classification: Likely benign for DNM2-related condition. Last evaluated: 2019-08-13. Review status: no assertion criteria provided. Collection method: clinical testing. Allele origin: germline. Not counted in ClinVar's aggregate classification.
Comment: This variant is classified as likely benign based on ACMG/AMP sequence variant interpretation guidelines (Richards et al. 2015 PMID: 25741868, with internal and published modifications).